The following is an entry in ClinVar:

NM_001379403.1(WDR26):c.1867G>A (p.Val623Ile)

Gene: WDR26 (WD repeat domain 26; minus strand). Cytogenetic location: 1q42.11.
Variant type: single nucleotide variant.
Coding change: c.1867G>A on transcript NM_001379403.1 (MANE Select); coding-DNA position 1867, G replaced by A.
Protein change: p.Val623Ile; replaces valine 623 with isoleucine.
Molecular consequence: missense variant.
Genome position (GRCh38, 1-based): chr1:224,398,592, C>T on the plus strand (G>A on the coding strand, the complement: WDR26 is on the minus strand). VCF-style: chr1-224398592-C-T. GRCh37 (hg19) VCF-style: chr1-224586294-C-T.
Other names: c.1519G>A, p.Val507Ile (NM_001115113.3); c.1567G>A, p.Val523Ile (NM_025160.7); short protein forms V507I, V523I, V623I.
Identifiers: ClinVar variation 4975846 (VCV004975846.1).

ClinVar aggregate classification (germline): Uncertain significance (1 of 4 stars; one submission).

Submission:

GeneDx
Classification: Uncertain significance. Last evaluated: 2026-02-02. Review status: criteria provided, single submitter. Criteria: GeneDx Variant Classification Process June 2021. Collection method: clinical testing. Allele origin: germline.
Comment: Not observed at significant frequency in large population cohorts (gnomAD); In silico analysis suggests that this missense variant does not alter protein structure/function; Has not been previously published as pathogenic or benign to our knowledge